The following is an entry in ClinVar:

NM_001267550.2(TTN):c.13372ATT[1] (p.Ile4459del)

Gene: TTN (titin; minus strand). Cytogenetic location: 2q31.2.
Variant type: Microsatellite.
Coding change: c.13372ATT[1] on transcript NM_001267550.2 (MANE Select); one copy of the 3-base unit ATT starting at c.13372; the reference has two copies in a row; one copy, 3 bases deleted.
Protein change: p.Ile4459del; deletes isoleucine 4459.
Molecular consequence: intron variant (on NM_133378.4).
Genome position (GRCh38, 1-based): chr2:178,739,856-178,739,858, AAT deleted on the plus strand (ATT on the coding strand, the reverse complement: TTN is on the minus strand); deleting any 3 consecutive bases within chr2:178,739,856-178,739,861 gives the same sequence; the position shown is the placement nearest the transcript's 3' end. VCF-style (leftmost placement, unchanged base first): chr2-178739855-CAAT-C. GRCh37 (hg19) VCF-style: chr2-179604582-CAAT-C.
Other names: c.12421ATT[1], p.Ile4142del (NM_001256850.1); c.12283ATT[1], p.Ile4096del (NM_003319.4); c.12658ATT[1], p.Ile4221del (NM_133432.3); c.12859ATT[1], p.Ile4288del (NM_133437.4); c.10361-1498_10361-1496del (NM_133378.4); short protein forms I4096del, I4142del, I4221del, I4288del, I4459del.
Identifiers: ClinVar variation 3772370 (VCV003772370.13).

ClinVar aggregate classification (germline): Uncertain significance (1 of 4 stars; one submission).

Submission:

CeGaT Center for Human Genetics Tuebingen
Classification: Uncertain significance. Last evaluated: 2025-01-01. Review status: criteria provided, single submitter. Criteria: CeGaT Center For Human Genetics Tuebingen Variant Classification Criteria Version 2. Collection method: clinical testing. Allele origin: germline. Affected: yes. Observed: 1 variant allele.
Comment: TTN: PM2, PM4:Supporting